The following is an entry in ClinVar:

NM_005502.4(ABCA1):c.*406T>C

Genes: ABCA1 (ATP binding cassette subfamily A member 1; minus strand), NIPSNAP3B (nipsnap homolog 3B; plus strand). Cytogenetic location: 9q31.1.
Variant type: single nucleotide variant.
Coding change: c.*406T>C on transcript NM_005502.4 (MANE Select); 406 bases downstream of the stop codon, T replaced by C.
Molecular consequence: 3 prime UTR variant.
Genome position (GRCh38, 1-based): chr9:104,783,909, A>G on the plus strand (T>C on the coding strand, the complement: ABCA1 is on the minus strand). VCF-style: chr9-104783909-A-G. GRCh37 (hg19) VCF-style: chr9-107546190-A-G.
Identifiers: ClinVar variation 914674 (VCV000914674.4), dbSNP rs151170184, ClinGen allele CA197395557.
Genomic context (GRCh38, chr9:104,783,909, plus strand): 5'-GATGTGTCACCGGGAAACCAGTCTCCTGGGCATGGCATGGCTTAGTGAATGAGGATGTGC[A>G]TTACCTTTTGATTTTGATCAATAATCGCTGGCCATGATTACTTGATGAATTATTGTTGCA-3'

ClinVar aggregate classification (germline): Conflicting classifications of pathogenicity. Review status: criteria provided, conflicting classifications (1 of 4 stars). 2 submissions from 1 submitter: Uncertain significance (1); Benign (1). Last evaluated 2018-01-13.

Conditions:
Hypoalphalipoproteinemia, primary, 1. Identifiers: Orphanet 425, MedGen C5231558, MONDO:0011393, OMIM 604091.
Tangier disease (TGD). Also called: HIGH DENSITY LIPOPROTEIN DEFICIENCY, TANGIER TYPE; HIGH DENSITY LIPOPROTEIN DEFICIENCY, TYPE 1; Cholesterol thesaurismosis. Identifiers: Orphanet 31150, MedGen C0039292, MONDO:0008783, OMIM 205400.

Allele frequency attached by ClinVar (database versions not stated): gnomAD exomes 0.00003; TOPMed 0.00003; 1000 Genomes Project 30x 0.00047; 1000 Genomes Project 0.00060.
gnomAD v4.1: 10 of 191,938 alleles (0.0052%); highest among the groups gnomAD compares: Middle Eastern, 0.26%; no homozygotes.

Submissions (2):

Illumina Laboratory Services, Illumina
Classification: Uncertain significance for Tangier disease. Last evaluated: 2018-01-13. Review status: criteria provided, single submitter. Criteria: ICSL Variant Classification Criteria 13 December 2019. Collection method: clinical testing. Allele origin: germline.

Illumina Laboratory Services, Illumina
Classification: Benign for Hypoalphalipoproteinemia, primary, 1. Last evaluated: 2018-01-13. Review status: criteria provided, single submitter. Criteria: ICSL Variant Classification Criteria 13 December 2019. Collection method: clinical testing. Allele origin: germline.
Comment: This variant was observed in the ICSL laboratory as part of a predisposition screen in an ostensibly healthy population. It had not been previously curated by ICSL or reported in the Human Gene Mutation Database (HGMD: prior to June 1st, 2018), and was therefore a candidate for classification through an automated scoring system. Utilizing variant allele frequency, disease prevalence and penetrance estimates, and inheritance mode, an automated score was calculated to assess if this variant is too frequent to cause the disease. Based on the score and internal cut-off values, a variant classified as benign is not then subjected to further curation. The score for this variant resulted in a classification of benign for this disease.